The following is an entry in ClinVar:

ClinVar aggregate classification (germline): Uncertain significance (1 of 4 stars; one submission).

Conditions:
Hereditary spastic paraplegia 47. Also called: Spastic paraplegia 47, autosomal recessive; adaptor protein 4 (AP-4) deficiency syndrome; CEREBRAL PALSY, SPASTIC QUADRIPLEGIC, 5. Identifiers: Orphanet 280763, MedGen C3279738, MONDO:0013551, OMIM 614066.

Allele frequency attached by ClinVar (database versions not stated): gnomAD 0.00001; gnomAD exomes 0.00001 and 0.00004; TOPMed 0.00001; ExAC 0.00002.

Submission:

Labcorp Genetics (formerly Invitae), Labcorp
Classification: Uncertain significance for Hereditary spastic paraplegia 47. Last evaluated: 2022-06-08. Review status: criteria provided, single submitter. Criteria: Invitae Variant Classification Sherloc (09022015). Collection method: clinical testing. Allele origin: germline.
Comment: In summary, the available evidence is currently insufficient to determine the role of this variant in disease. Therefore, it has been classified as a Variant of Uncertain Significance. Algorithms developed to predict the effect of missense changes on protein structure and function (SIFT, PolyPhen-2, Align-GVGD) all suggest that this variant is likely to be tolerated. This variant has not been reported in the literature in individuals affected with AP4B1-related conditions. This variant is present in population databases (rs777033290, gnomAD 0.03%). This sequence change replaces glycine, which is neutral and non-polar, with serine, which is neutral and polar, at codon 425 of the AP4B1 protein (p.Gly425Ser).

NM_001253852.3(AP4B1):c.1273G>A (p.Gly425Ser)

Genes: AP4B1 (adaptor related protein complex 4 subunit beta 1; minus strand), AP4B1-AS1 (AP4B1 antisense RNA 1; plus strand). Cytogenetic location: 1p13.2.
Variant type: single nucleotide variant.
Coding change: c.1273G>A on transcript NM_001253852.3 (MANE Select); coding-DNA position 1273, G replaced by A.
Protein change: p.Gly425Ser; replaces glycine 425 with serine.
Molecular consequence: missense variant. On other transcripts: non-coding transcript variant (2).
Genome position (GRCh38, 1-based): chr1:113,897,869, C>T on the plus strand (G>A on the coding strand, the complement: AP4B1 is on the minus strand). VCF-style: chr1-113897869-C-T. GRCh37 (hg19) VCF-style: chr1-114440491-C-T.
Other names: c.976G>A, p.Gly326Ser (NM_001253853.3); c.769G>A, p.Gly257Ser (NM_001308312.2); c.1273G>A, p.Gly425Ser (NM_006594.5); short protein forms G326S, G425S, G257S.
Identifiers: ClinVar variation 1503715 (VCV001503715.6), dbSNP rs777033290, ClinGen allele CA1015837.